The following is an entry in ClinVar:

NM_020987.5(ANK3):c.8524G>A (p.Ala2842Thr)

Gene: ANK3 (ankyrin 3; minus strand). Cytogenetic location: 10q21.2.
Variant type: single nucleotide variant.
Coding change: c.8524G>A on transcript NM_020987.5 (MANE Select); coding-DNA position 8524, G replaced by A.
Protein change: p.Ala2842Thr; replaces alanine 2842 with threonine.
Molecular consequence: missense variant. On other transcripts: intron variant (4).
Genome position (GRCh38, 1-based): chr10:60,072,357, C>T on the plus strand (G>A on the coding strand, the complement: ANK3 is on the minus strand). VCF-style: chr10-60072357-C-T. GRCh37 (hg19) VCF-style: chr10-61832115-C-T.
Other names: c.4388-4348G>A (NM_001204403.2); c.4409-4348G>A (NM_001204404.2); c.4406-4348G>A (NM_001320874.2); c.1808-4348G>A (NM_001149.4); short protein forms A2842T.
Identifiers: ClinVar variation 4536370 (VCV004536370.2).
Genomic context (GRCh38, chr10:60,072,357, plus strand): 5'-TAGTGGCTCCCGAACTCTCCCATGTTCTAAAGACCTTTTTGTCCCATGGTCCCCTAGTTG[C>T]TAAATCTGAGGTTATATGACATGCCAAGTCTTTAGCCTGCTGCTCAGAAAAAGAGTCAGG-3'
Protein context (NP_066267.2, residues 2832-2852): DLACHITSDL[Ala2842Thr]TRGPWDKKVF

ClinVar aggregate classification (germline): Uncertain significance (1 of 4 stars; one submission).

gnomAD v4.1: 3 of 1,613,786 alleles (0.00019%); highest among the groups gnomAD compares: African/African-American, 0.004%; no homozygotes.

Submission:

GeneDx
Classification: Uncertain significance. Last evaluated: 2026-10-01. Review status: criteria provided, single submitter. Criteria: GeneDx Variant Classification Process June 2021. Collection method: clinical testing. Allele origin: germline.
Comment: Not observed at significant frequency in large population cohorts (gnomAD); In silico analysis suggests that this missense variant does not alter protein structure/function; Has not been previously published as pathogenic or benign to our knowledge